The following is an entry in ClinVar:

NM_001673.5(ASNS):c.1049A>G (p.Lys350Arg)

Genes: ASNS (asparagine synthetase (glutamine-hydrolyzing); minus strand), CZ1P-ASNS (CZ1P-ASNS readthrough; minus strand). Cytogenetic location: 7q21.3.
Variant type: single nucleotide variant.
Coding change: c.1049A>G on transcript NM_001673.5 (MANE Select); coding-DNA position 1049, A replaced by G.
Protein change: p.Lys350Arg; replaces lysine 350 with arginine.
Molecular consequence: missense variant. On other transcripts: non-coding transcript variant (1).
Genome position (GRCh38, 1-based): chr7:97,855,441, T>C on the plus strand (A>G on the coding strand, the complement: ASNS is on the minus strand). VCF-style: chr7-97855441-T-C. GRCh37 (hg19) VCF-style: chr7-97484753-T-C.
Other names: c.986A>G, p.Lys329Arg (NM_001178075.2); c.800A>G, p.Lys267Arg (NM_001178076.2, NM_001178077.1); c.1049A>G, p.Lys350Arg (NM_001352496.2, NM_133436.3, NM_183356.4); short protein forms K267R, K329R, K350R.
Identifiers: ClinVar variation 1333556 (VCV001333556.1), dbSNP rs1791391363, ClinGen allele CA368265851.

ClinVar aggregate classification (germline): Uncertain significance (1 of 4 stars; one submission).

Conditions:
Congenital microcephaly - severe encephalopathy - progressive cerebral atrophy syndrome. Also called: ASNS DEFICIENCY; Asparagine synthetase deficiency. Identifiers: Orphanet 391376, MedGen C3809971, MONDO:0014258, OMIM 615574.

Allele frequency attached by ClinVar (database versions not stated): gnomAD exomes below 0.00001; gnomAD 0.00001.
gnomAD v4.1: 2 of 1,610,670 alleles (0.00012%); highest among the groups gnomAD compares: African/African-American, 0.0013%; no homozygotes.

Submission:

3billion
Classification: Uncertain significance for Congenital microcephaly - severe encephalopathy - progressive cerebral atrophy syndrome. Last evaluated: 2022-01-03. Review status: criteria provided, single submitter. Criteria: ACMG Guidelines, 2015. Collection method: clinical testing. Allele origin: germline. Affected: yes. Observed: 1 heterozygote.
Comment: The variant is not observed in the gnomAD v2.1.1 dataset (PM2_M). In silico tool predictions suggest damaging effect of the variant on gene or gene product (3CNET: 0.908, PP3_P). A missense variant is a common mechanism associated with Asparagine synthetase deficiency (PP2_P). Therefore, this variant is classified as uncertain significance according to the recommendation of ACMG/AMP guideline.